The following is an entry in ClinVar:

NM_007325.5(GRIA3):c.-1C>T

Gene: GRIA3 (glutamate ionotropic receptor AMPA type subunit 3; plus strand). Cytogenetic location: Xq25.
Variant type: single nucleotide variant.
Coding change: c.-1C>T on transcript NM_007325.5 (MANE Select); 1 bases upstream of the start codon, C replaced by T.
Molecular consequence: 5 prime UTR variant.
Genome position (GRCh38, 1-based): chrX:123,184,535, C>T. VCF-style: chrX-123184535-C-T. GRCh37 (hg19) VCF-style: chrX-122318387-C-T.
Other names: c.-1C>T (NM_000828.5, NM_001256743.2).
Identifiers: ClinVar variation 3668943 (VCV003668943.2).

ClinVar aggregate classification (germline): Uncertain significance (1 of 4 stars; one submission).

gnomAD v4.1: 6 of 1,197,202 alleles (0.0005%); highest among the groups gnomAD compares: Non-Finnish European, 0.00068%; no homozygotes.

Submission:

Labcorp Genetics (formerly Invitae), Labcorp
Classification: Uncertain significance. Last evaluated: 2024-07-07. Review status: criteria provided, single submitter. Criteria: Invitae Variant Classification Sherloc (09022015). Collection method: clinical testing. Allele origin: germline.
Comment: This variant occurs in a non-coding region of the GRIA3 gene. It does not change the encoded amino acid sequence of the GRIA3 protein. The frequency data for this variant in the population databases is considered unreliable, as metrics indicate poor data quality at this position in the gnomAD database. This variant has not been reported in the literature in individuals affected with GRIA3-related conditions. Experimental studies and prediction algorithms are not available or were not evaluated, and the effect of this variant on mRNA splicing is currently unknown. In summary, the available evidence is currently insufficient to determine the role of this variant in disease. Therefore, it has been classified as a Variant of Uncertain Significance.